The following is an entry in ClinVar:

NM_006766.5(KAT6A):c.3194T>C (p.Phe1065Ser)

Gene: KAT6A (lysine acetyltransferase 6A; minus strand). Cytogenetic location: 8p11.21.
Variant type: single nucleotide variant.
Coding change: c.3194T>C on transcript NM_006766.5 (MANE Select); coding-DNA position 3194, T replaced by C.
Protein change: p.Phe1065Ser; replaces phenylalanine 1065 with serine.
Molecular consequence: missense variant.
Genome position (GRCh38, 1-based): chr8:41,937,414, A>G on the plus strand (T>C on the coding strand, the complement: KAT6A is on the minus strand). VCF-style: chr8-41937414-A-G. GRCh37 (hg19) VCF-style: chr8-41794932-A-G.
Other names: short protein forms F1065S.
Identifiers: ClinVar variation 3659229 (VCV003659229.2).

ClinVar aggregate classification (germline): Uncertain significance (1 of 4 stars; one submission).

Submission:

Labcorp Genetics (formerly Invitae), Labcorp
Classification: Uncertain significance. Last evaluated: 2024-07-11. Review status: criteria provided, single submitter. Criteria: Invitae Variant Classification Sherloc (09022015). Collection method: clinical testing. Allele origin: germline.
Comment: This sequence change replaces phenylalanine, which is neutral and non-polar, with serine, which is neutral and polar, at codon 1065 of the KAT6A protein (p.Phe1065Ser). This variant is not present in population databases (gnomAD no frequency). This variant has not been reported in the literature in individuals affected with KAT6A-related conditions. Advanced modeling of protein sequence and biophysical properties (such as structural, functional, and spatial information, amino acid conservation, physicochemical variation, residue mobility, and thermodynamic stability) performed at Invitae indicates that this missense variant is not expected to disrupt KAT6A protein function with a negative predictive value of 80%. In summary, the available evidence is currently insufficient to determine the role of this variant in disease. Therefore, it has been classified as a Variant of Uncertain Significance.